The following is an entry in ClinVar:

ClinVar aggregate classification (germline): Uncertain significance (1 of 4 stars; one submission).

Conditions:
Nephronophthisis 16 (NPHP16). Identifiers: Orphanet 655, MedGen C3809320, MONDO:0014158, OMIM 615382.

gnomAD v4.1: 3 of 1,036,614 alleles (0.00029%); highest among the groups gnomAD compares: East Asian, 0.024%; no homozygotes.

Submission:

Labcorp Genetics (formerly Invitae), Labcorp
Classification: Uncertain significance for Nephronophthisis 16. Last evaluated: 2026-01-08. Review status: criteria provided, single submitter. Criteria: Invitae Variant Classification Sherloc (09022015). Collection method: clinical testing. Allele origin: germline.
Comment: This sequence change replaces glycine, which is neutral and non-polar, with cysteine, which is neutral and slightly polar, at codon 40 of the ANKS6 protein (p.Gly40Cys). This variant is not present in population databases (gnomAD no frequency). This variant has not been reported in the literature in individuals affected with ANKS6-related conditions. An algorithm developed to predict the effect of missense changes on protein structure and function (PolyPhen-2) suggests that this variant is likely to be disruptive. In summary, the available evidence is currently insufficient to determine the role of this variant in disease. Therefore, it has been classified as a Variant of Uncertain Significance.

NM_173551.5(ANKS6):c.118G>T (p.Gly40Cys)

Gene: ANKS6 (ankyrin repeat and sterile alpha motif domain containing 6; minus strand). Cytogenetic location: 9q22.33.
Variant type: single nucleotide variant.
Coding change: c.118G>T on transcript NM_173551.5 (MANE Select); coding-DNA position 118, G replaced by T.
Protein change: p.Gly40Cys; replaces glycine 40 with cysteine.
Molecular consequence: missense variant.
Genome position (GRCh38, 1-based): chr9:98,796,374, C>A on the plus strand (G>T on the coding strand, the complement: ANKS6 is on the minus strand). VCF-style: chr9-98796374-C-A. GRCh37 (hg19) VCF-style: chr9-101558656-C-A.
Other names: short protein forms G40C.
Identifiers: ClinVar variation 4702308 (VCV004702308.1).